The following is an entry in ClinVar:

ClinVar aggregate classification (germline): Uncertain significance (0 of 4 stars; one submission).

Conditions:
SEMA3G-related disorder. Also called: SEMA3G-related condition.

Submission:

PreventionGenetics, part of Exact Sciences
Classification: Uncertain significance for SEMA3G-related condition. Last evaluated: 2024-08-28. Review status: no assertion criteria provided. Collection method: clinical testing. Allele origin: germline.
Comment: The SEMA3G c.958G>C variant is predicted to result in the amino acid substitution p.Gly320Arg. To our knowledge, this variant has not been reported in the literature or in a large population database, indicating this variant is rare. At this time, the clinical significance of this variant is uncertain due to the absence of conclusive functional and genetic evidence.

NM_020163.3(SEMA3G):c.958G>C (p.Gly320Arg)

Gene: SEMA3G (semaphorin 3G; minus strand). Cytogenetic location: 3p21.1.
Variant type: single nucleotide variant.
Coding change: c.958G>C on transcript NM_020163.3 (MANE Select); coding-DNA position 958, G replaced by C.
Protein change: p.Gly320Arg; replaces glycine 320 with arginine.
Molecular consequence: missense variant.
Genome position (GRCh38, 1-based): chr3:52,440,794, C>G on the plus strand (G>C on the coding strand, the complement: SEMA3G is on the minus strand). VCF-style: chr3-52440794-C-G. GRCh37 (hg19) VCF-style: chr3-52474810-C-G.
Other names: short protein forms G320R.
Identifiers: ClinVar variation 3354575 (VCV003354575.1).